The following is an entry in ClinVar:

NM_004360.5(CDH1):c.316A>G (p.Thr106Ala)

Gene: CDH1 (cadherin 1; plus strand). Cytogenetic location: 16q22.1.
Variant type: single nucleotide variant.
Coding change: c.316A>G on transcript NM_004360.5 (MANE Select); coding-DNA position 316, A replaced by G.
Protein change: p.Thr106Ala; replaces threonine 106 with alanine.
Molecular consequence: missense variant. On other transcripts: 5 prime UTR variant (2).
Genome position (GRCh38, 1-based): chr16:68,801,822, A>G. VCF-style: chr16-68801822-A-G. GRCh37 (hg19) VCF-style: chr16-68835725-A-G.
Other names: p.T106A:ACC>GCC; c.316A>G, p.Thr106Ala (NM_001317184.2); c.-1300A>G (NM_001317185.2); c.-1504A>G (NM_001317186.2); c.316A>G (LRG_301t1); short protein forms T106A.
Identifiers: ClinVar variation 127930 (VCV000127930.7), dbSNP rs587780122, ClinGen allele CA288070.

ClinVar aggregate classification (germline): Conflicting classifications of pathogenicity. Review status: criteria provided, conflicting classifications (1 of 4 stars). 2 submissions from 2 submitters: Uncertain significance (1); Likely benign (1). Last evaluated 2026-07-30.

Conditions:
Hereditary cancer-predisposing syndrome. Also called: Tumor predisposition; Hereditary neoplastic syndrome; Hereditary Cancer Syndrome; Neoplastic Syndromes, Hereditary. Identifiers: Orphanet 140162, MedGen C0027672, MeSH D009386, MONDO:0015356.

Submissions (2):

Ambry Genetics
Classification: Likely benign for Hereditary cancer-predisposing syndrome. Last evaluated: 2026-07-30. Review status: criteria provided, single submitter. Criteria: Ambry Variant Classification Scheme 2023. Collection method: clinical testing. Allele origin: germline.

GeneDx
Classification: Uncertain significance. Last evaluated: 2017-06-14. Review status: criteria provided, single submitter. Criteria: GeneDx Variant Classification (06012015). Collection method: clinical testing. Allele origin: germline. Affected: yes.
Comment: This variant is denoted CDH1 c.316A>G at the cDNA level, p.Thr106Ala (T106A) at the protein level, and results in the change of a Threonine to an Alanine (ACC>GCC). This variant has not, to our knowledge, been published in the literature as pathogenic or benign. CDH1 Thr106Ala was not observed in large population cohorts (NHLBI Exome Sequencing Project, The 1000 Genomes Consortium 2015, Lek 2016). Since Threonine and Alanine differ in polarity, charge, size or other properties, this is considered a non-conservative amino acid substitution. CDH1 Thr106Ala occurs at a position that is not conserved and is located in the Precursor Sequence Domain (Brooks-Wilson 2004). In silico analyses predict that this variant is unlikely to alter protein structure or function. Based on currently available evidence, it is unclear whether CDH1 Thr106Ala is a pathogenic or benign variant. We consider it to be a variant of uncertain significance.